The following is an entry in ClinVar:

NM_015488.5(PNKD):c.525-3C>A

Genes: CATIP-AS2 (CATIP antisense RNA 2; minus strand), PNKD (PNKD metallo-beta-lactamase domain containing; plus strand). Cytogenetic location: 2q35.
Variant type: single nucleotide variant.
Coding change: c.525-3C>A on transcript NM_015488.5 (MANE Select); 3 bases into the intron before coding-DNA position 525, C replaced by A.
Molecular consequence: intron variant.
Genome position (GRCh38, 1-based): chr2:218,341,531, C>A. VCF-style: chr2-218341531-C-A. GRCh37 (hg19) VCF-style: chr2-219206254-C-A.
Other names: c.453-3C>A (NM_022572.4).
Identifiers: ClinVar variation 4881885 (VCV004881885.2).

ClinVar aggregate classification (germline): Uncertain significance (1 of 4 stars; one submission).

Submission:

Dasa
Classification: Uncertain significance. Last evaluated: 2025-09-24. Review status: criteria provided, single submitter. Criteria: DASA Assertion Criteria. Collection method: clinical testing. Allele origin: germline.
Comment: NM_015488.5(PNKD):c.525-3C>A is a splice-region variant. This variant is rare in population databases. The currently available literature and clinical evidence are not sufficient to establish a definitive association between this variant and the reported condition. Therefore, this variant is classified as a variant of uncertain significance.